The following is an entry in ClinVar:

NM_024741.3(ZNF408):c.931A>G (p.Ser311Gly)

Gene: ZNF408 (zinc finger protein 408; plus strand). Cytogenetic location: 11p11.2.
Variant type: single nucleotide variant.
Coding change: c.931A>G on transcript NM_024741.3 (MANE Select); coding-DNA position 931, A replaced by G.
Protein change: p.Ser311Gly; replaces serine 311 with glycine.
Molecular consequence: missense variant.
Genome position (GRCh38, 1-based): chr11:46,704,631, A>G. VCF-style: chr11-46704631-A-G. GRCh37 (hg19) VCF-style: chr11-46726181-A-G.
Other names: c.907A>G, p.Ser303Gly (NM_001184751.2); short protein forms S311G, S303G.
Identifiers: ClinVar variation 1482738 (VCV001482738.9), dbSNP rs1377761013, ClinGen allele CA380254487.

ClinVar aggregate classification (germline): Conflicting classifications of pathogenicity. Review status: criteria provided, conflicting classifications (1 of 4 stars). 2 submissions from 2 submitters: Uncertain significance (1); Likely benign (1). Last evaluated 2024-05-14.

Allele frequency attached by ClinVar (database versions not stated): gnomAD exomes below 0.00001; gnomAD 0.00002; TOPMed 0.00002.

Submissions (2):

Blueprint Genetics
Classification: Likely benign. Last evaluated: 2024-05-14. Review status: criteria provided, single submitter. Criteria: ACMG Guidelines, 2015. Collection method: clinical testing. Allele origin: germline.

Labcorp Genetics (formerly Invitae), Labcorp
Classification: Uncertain significance. Last evaluated: 2022-11-01. Review status: criteria provided, single submitter. Criteria: Invitae Variant Classification Sherloc (09022015). Collection method: clinical testing. Allele origin: germline.
Comment: In summary, the available evidence is currently insufficient to determine the role of this variant in disease. Therefore, it has been classified as a Variant of Uncertain Significance. Algorithms developed to predict the effect of missense changes on protein structure and function output the following: SIFT: "Tolerated"; PolyPhen-2: "Benign"; Align-GVGD: "Class C0". The glycine amino acid residue is found in multiple mammalian species, which suggests that this missense change does not adversely affect protein function. ClinVar contains an entry for this variant (Variation ID: 1482738). This variant has not been reported in the literature in individuals affected with ZNF408-related conditions. This variant is present in population databases (no rsID available, gnomAD 0.0008%). This sequence change replaces serine, which is neutral and polar, with glycine, which is neutral and non-polar, at codon 311 of the ZNF408 protein (p.Ser311Gly).